The following is an entry in ClinVar:

NM_007294.4(BRCA1):c.3173T>C (p.Ile1058Thr)

Gene: BRCA1 (BRCA1 DNA repair associated; minus strand). Cytogenetic location: 17q21.31.
Variant type: single nucleotide variant.
Coding change: c.3173T>C on transcript NM_007294.4 (MANE Select); coding-DNA position 3173, T replaced by C.
Protein change: p.Ile1058Thr; replaces isoleucine 1058 with threonine.
Molecular consequence: missense variant. On other transcripts: intron variant (137).
Genome position (GRCh38, 1-based): chr17:43,092,358, A>G on the plus strand (T>C on the coding strand, the complement: BRCA1 is on the minus strand). VCF-style: chr17-43092358-A-G. GRCh37 (hg19) VCF-style: chr17-41244375-A-G.
Other names: c.2960T>C, p.Ile987Thr (NM_001407895.1, NM_001407896.1, NM_001407897.1 and 9 more transcripts); c.2963T>C, p.Ile988Thr (NM_001407900.1, NM_001407902.1, NM_001407904.1 and 13 more transcripts); c.2909T>C, p.Ile970Thr (NM_001407921.1, NM_001407922.1, NM_001407923.1 and 9 more transcripts); c.2906T>C, p.Ile969Thr (NM_001407930.1, NM_001407931.1, NM_001407932.1 and 2 more transcripts); c.2837T>C, p.Ile946Thr (NM_001407958.1, NM_001407954.1, NM_001407955.1 and 1 more transcripts); c.2792T>C, p.Ile931Thr (NM_001407959.1, NM_001407960.1, NM_001407963.1); c.2789T>C, p.Ile930Thr (NM_001407962.1); c.3029T>C, p.Ile1010Thr (NM_001407964.1, NM_001407943.1, NM_001407740.1 and 20 more transcripts); and 41 more; short protein forms I1010T, I1011T, I1016T, I1017T, I1031T, I1032T, I1055T, I1057T.
Identifiers: ClinVar variation 4856585 (VCV004856585.1).

ClinVar aggregate classification (germline): Likely benign (1 of 4 stars; one submission).

Conditions:
Breast-ovarian cancer, familial, susceptibility to, 1 (BROVCA1). Also called: OVARIAN CANCER, SUSCEPTIBILITY TO; BRCA1 Hereditary Breast and Ovarian Cancer. Identifiers: Orphanet 145, MedGen C2676676, MONDO:0011450, OMIM 604370. Disease mechanism: loss of function.

gnomAD v4.1: 1 of 1,613,944 alleles (0.000062%); highest among the groups gnomAD compares: Non-Finnish European, 0.000085%; no homozygotes.

Submission:

Cancer Bioinformatics and Tumour Evolution Laboratory, Monash University
Classification: Likely benign for Breast-ovarian cancer, familial, susceptibility to, 1. Last evaluated: 2026-05-01. Review status: criteria provided, single submitter. Criteria: ClinGen BRCA1 and BRCA2 Guidelines, 2024. Collection method: curation. Allele origin: germline. Inheritance: Autosomal dominant inheritance.
Comment: Missense variant outside of a functional domain with no splice impact. BRCA1 and BRCA2 VCEP guidelines recommend application of BP1_Strong (PMID: 39142283). PMID: 39281752 - A large scale study to determine the case-control LR of BRCA1 and BRCA2 variants. The data was consolidated in the ccLR browser. This variant was found in the browser with a LR of 0.754518789 which is in the intermediate range according to the BRCA1 and BRCA2 VCEP. Hence, no evidence code applied.

Literature cited by the submitters: PubMed 39281752.